The following is an entry in ClinVar:

ClinVar aggregate classification (germline): Likely benign (1 of 4 stars; one submission).

Allele frequency attached by ClinVar (database versions not stated): TOPMed 0.00003.

Submission:

CeGaT Center for Human Genetics Tuebingen
Classification: Likely benign. Last evaluated: 2022-03-01. Review status: criteria provided, single submitter. Criteria: CeGaT Center For Human Genetics Tuebingen Variant Classification Criteria Version 2. Collection method: clinical testing. Allele origin: germline. Affected: yes. Observed: 1 variant allele.
Comment: URB1: BP4, BP7

NM_014825.3(URB1):c.2496C>G (p.Leu832=)

Gene: URB1 (URB1 ribosome biogenesis factor; minus strand). Cytogenetic location: 21q22.11.
Variant type: single nucleotide variant.
Coding change: c.2496C>G on transcript NM_014825.3 (MANE Select); coding-DNA position 2496, C replaced by G.
Protein change: p.Leu832=; no amino-acid change (leucine 832 retained).
Molecular consequence: synonymous variant.
Genome position (GRCh38, 1-based): chr21:32,352,827, G>C on the plus strand (C>G on the coding strand, the complement: URB1 is on the minus strand). VCF-style: chr21-32352827-G-C. GRCh37 (hg19) VCF-style: chr21-33725136-G-C.
Identifiers: ClinVar variation 2652599 (VCV002652599.24), dbSNP rs897173016, ClinGen allele CA319400344.